The following is an entry in ClinVar:

NM_001267550.2(TTN):c.48760G>T (p.Glu16254Ter)

Genes: TTN (titin; minus strand), TTN-AS1 (TTN antisense RNA 1; plus strand), LOC126806426 (BRD4-independent group 4 enhancer GRCh37_chr2:179478848-179480047; plus strand). Cytogenetic location: 2q31.2.
Variant type: single nucleotide variant.
Coding change: c.48760G>T on transcript NM_001267550.2 (MANE Select); coding-DNA position 48760, G replaced by T.
Protein change: p.Glu16254Ter; replaces glutamic acid 16254 with a stop codon.
Molecular consequence: nonsense.
Genome position (GRCh38, 1-based): chr2:178,614,847, C>A on the plus strand (G>T on the coding strand, the complement: TTN is on the minus strand). VCF-style: chr2-178614847-C-A. GRCh37 (hg19) VCF-style: chr2-179479574-C-A.
Other names: c.43837G>T, p.Glu14613Ter (NM_001256850.1); c.21565G>T, p.Glu7189Ter (NM_003319.4); c.41056G>T, p.Glu13686Ter (NM_133378.4); c.21940G>T, p.Glu7314Ter (NM_133432.3); c.22141G>T, p.Glu7381Ter (NM_133437.4); short protein forms E13686*, E16254*, E7314*, E14613*, E7189*, E7381*.
Identifiers: ClinVar variation 1786815 (VCV001786815.5), dbSNP rs2470693959, ClinGen allele CA349608131.

ClinVar aggregate classification (germline): Likely pathogenic. Review status: criteria provided, multiple submitters, no conflicts (2 of 4 stars). 2 submissions from 2 submitters: Likely pathogenic (2). Last evaluated 2025-12-20.

Conditions:
Autosomal recessive limb-girdle muscular dystrophy type 2J (LGMDR10). Also called: Limb-girdle muscular dystrophy, type 2J; MUSCULAR DYSTROPHY, LIMB-GIRDLE, AUTOSOMAL RECESSIVE 10. Identifiers: Orphanet 140922, MedGen C1837342, MONDO:0012127, OMIM 608807.
Dilated cardiomyopathy 1G (CMD1G). Identifiers: Orphanet 154, MedGen C1858763, MONDO:0011400, OMIM 604145.
Cardiovascular phenotype. Identifiers: MedGen CN230736.

Submissions (2):

Labcorp Genetics (formerly Invitae), Labcorp
Classification: Likely pathogenic for Dilated cardiomyopathy 1G; Autosomal recessive limb-girdle muscular dystrophy type 2J. Last evaluated: 2025-12-20. Review status: criteria provided, single submitter. Criteria: Invitae Variant Classification Sherloc (09022015). Collection method: clinical testing. Allele origin: germline.
Comment: This sequence change creates a premature translational stop signal (p.Glu16254*) in the TTN gene. While this is not anticipated to result in nonsense mediated decay, it is expected to create a truncated TTN protein. This variant is not present in population databases (gnomAD no frequency). This variant has not been reported in the literature in individuals affected with TTN-related conditions. ClinVar contains an entry for this variant (Variation ID: 1786815). Algorithms developed to predict the effect of sequence changes on RNA splicing suggest that this variant may disrupt the consensus splice site. This variant is located in the A band of TTN (PMID: 25589632). Truncating variants in this region are significantly overrepresented in patients affected with dilated cardiomyopathy (PMID: 25589632). Truncating variants in this region have also been reported in individuals affected with autosomal recessive centronuclear myopathy (PMID: 23975875). In summary, the currently available evidence indicates that the variant is pathogenic, but additional data are needed to prove that conclusively. Therefore, this variant has been classified as Likely Pathogenic.

Ambry Genetics
Classification: Likely pathogenic for Cardiovascular phenotype. Last evaluated: 2021-03-30. Review status: criteria provided, single submitter. Criteria: Ambry Variant Classification Scheme 2023. Collection method: clinical testing. Allele origin: germline.
Comment: The p.E7189* variant (also known as c.21565G>T), located in coding exon 87 of the TTN gene, results from a G to T substitution at nucleotide position 21565. This changes the amino acid from a glutamic acid to a stop codon within coding exon 87. This exon is located in the A-band region of the N2-B isoform of the titin protein and is constitutively expressed in TTN transcripts (percent spliced in or PSI 100%). However, this change occurs in the last base pair of coding exon 87 and may have some effect on normal mRNA splicing, though in silico splice site analysis for this alteration is inconclusive. Whether or not this alteration has an impact on splicing, this alteration is expected to result in loss of function by premature protein truncation or nonsense-mediated mRNA decay. While truncating variants in TTN are present in 1-3% of the general population, truncating variants in the A-band are the most common cause of dilated cardiomyopathy (DCM) (Herman DS et al. N. Engl. J. Med., 2012 Feb;366:619-28; Roberts AM et al. Sci Transl Med, 2015 Jan;7:270ra6). TTN truncating variants encoded in constitutive exons (PSI >90%) have been found to be significantly associated with DCM regardless of their position in titin (Schafer S et al. Nat. Genet., 2017 01;49:46-53). As such, this alteration is classified as likely pathogenic.

Literature cited by the submitters: PubMed 25589632 (cited by Labcorp Genetics (formerly Invitae), Labcorp); PubMed 23975875 (cited by Labcorp Genetics (formerly Invitae), Labcorp).